The following is an entry in ClinVar:

ClinVar aggregate classification (germline): Uncertain significance (1 of 4 stars; one submission).

Allele frequency attached by ClinVar (database versions not stated): gnomAD exomes 0.00002; gnomAD 0.00003; TOPMed 0.00004; ExAC 0.00009.

Submission:

Labcorp Genetics (formerly Invitae), Labcorp
Classification: Uncertain significance. Last evaluated: 2022-05-25. Review status: criteria provided, single submitter. Criteria: Invitae Variant Classification Sherloc (09022015). Collection method: clinical testing. Allele origin: germline.
Comment: This sequence change replaces arginine, which is basic and polar, with cysteine, which is neutral and slightly polar, at codon 1681 of the CCDC88C protein (p.Arg1681Cys). The frequency data for this variant in the population databases is considered unreliable, as metrics indicate poor data quality at this position in the gnomAD database. This variant has not been reported in the literature in individuals affected with CCDC88C-related conditions. Algorithms developed to predict the effect of missense changes on protein structure and function are either unavailable or do not agree on the potential impact of this missense change (SIFT: "Deleterious"; PolyPhen-2: "Possibly Damaging"; Align-GVGD: "Class C0"). In summary, the available evidence is currently insufficient to determine the role of this variant in disease. Therefore, it has been classified as a Variant of Uncertain Significance.

NM_001080414.4(CCDC88C):c.5041C>T (p.Arg1681Cys)

Gene: CCDC88C (coiled-coil domain containing 88C; minus strand). Cytogenetic location: 14q32.11.
Variant type: single nucleotide variant.
Coding change: c.5041C>T on transcript NM_001080414.4 (MANE Select); coding-DNA position 5041, C replaced by T.
Protein change: p.Arg1681Cys; replaces arginine 1681 with cysteine.
Molecular consequence: missense variant.
Genome position (GRCh38, 1-based): chr14:91,277,939, G>A on the plus strand (C>T on the coding strand, the complement: CCDC88C is on the minus strand). VCF-style: chr14-91277939-G-A. GRCh37 (hg19) VCF-style: chr14-91744283-G-A.
Other names: short protein forms R1681C.
Identifiers: ClinVar variation 1938716 (VCV001938716.2), dbSNP rs774866349, ClinGen allele CA7308766.